The following is an entry in ClinVar:

NM_001112741.2(KCNC1):c.1421C>G (p.Ser474Cys)

Gene: KCNC1 (potassium voltage-gated channel subfamily C member 1; plus strand). Cytogenetic location: 11p15.1.
Variant type: single nucleotide variant.
Coding change: c.1421C>G on transcript NM_001112741.2 (MANE Select); coding-DNA position 1421, C replaced by G.
Protein change: p.Ser474Cys; replaces serine 474 with cysteine.
Molecular consequence: missense variant.
Genome position (GRCh38, 1-based): chr11:17,772,515, C>G. VCF-style: chr11-17772515-C-G. GRCh37 (hg19) VCF-style: chr11-17794062-C-G.
Other names: c.1421C>G, p.Ser474Cys (NM_004976.4); short protein forms S474C.
Identifiers: ClinVar variation 851860 (VCV000851860.10), dbSNP rs1554991422, ClinGen allele CA379810125.

ClinVar aggregate classification (germline): Uncertain significance (1 of 4 stars; one submission).

Conditions:
Progressive myoclonic epilepsy type 7. Identifiers: Orphanet 435438, MedGen C4015420, MONDO:0014521, OMIM 616187.

gnomAD v4.1: 1 of 1,614,224 alleles (0.000062%); highest among the groups gnomAD compares: Non-Finnish European, 0.000085%; no homozygotes.

Submission:

Labcorp Genetics (formerly Invitae), Labcorp
Classification: Uncertain significance for Progressive myoclonic epilepsy type 7. Last evaluated: 2020-02-01. Review status: criteria provided, single submitter. Criteria: Invitae Variant Classification Sherloc (09022015). Collection method: clinical testing. Allele origin: germline.
Comment: This sequence change replaces serine with cysteine at codon 474 of the KCNC1 protein (p.Ser474Cys). The serine residue is highly conserved and there is a moderate physicochemical difference between serine and cysteine. This variant is not present in population databases (ExAC no frequency). This variant has not been reported in the literature in individuals with KCNC1-related conditions. Algorithms developed to predict the effect of missense changes on protein structure and function are either unavailable or do not agree on the potential impact of this missense change (SIFT: "Tolerated"; PolyPhen-2: "Possibly Damaging"; Align-GVGD: "Class C0"). In summary, the available evidence is currently insufficient to determine the role of this variant in disease. Therefore, it has been classified as a Variant of Uncertain Significance.